The following is an entry in ClinVar:

ClinVar aggregate classification (germline): Benign/Likely benign. Review status: criteria provided, multiple submitters, no conflicts (2 of 4 stars). 2 submissions from 2 submitters: Benign (1); Likely benign (1). Last evaluated 2026-04-01.

Allele frequency attached by ClinVar (database versions not stated): 1000 Genomes Project 0.00020; 1000 Genomes Project 30x 0.00031; gnomAD exomes 0.00130 and 0.00263; gnomAD 0.00152 and 0.00158; ExAC 0.00153; TOPMed 0.00170; ESP Exome Variant Server 0.00215.
gnomAD v4.1: 3,940 of 1,582,316 alleles (0.25%); highest among the groups gnomAD compares: Non-Finnish European, 0.32%; 5 homozygotes.

Submissions (2):

CeGaT Center for Human Genetics Tuebingen
Classification: Likely benign. Last evaluated: 2026-04-01. Review status: criteria provided, single submitter. Criteria: CeGaT Center For Human Genetics Tuebingen Variant Classification Criteria Version 2. Collection method: clinical testing. Allele origin: germline. Affected: yes. Observed: 9 variant alleles.
Comment: KIF14: BP4, BP7

Labcorp Genetics (formerly Invitae), Labcorp
Classification: Benign. Last evaluated: 2026-01-28. Review status: criteria provided, single submitter. Criteria: Invitae Variant Classification Sherloc (09022015). Collection method: clinical testing. Allele origin: germline.

NM_014875.3(KIF14):c.3651A>G (p.Ser1217=)

Gene: KIF14 (kinesin family member 14; minus strand). Cytogenetic location: 1q32.1.
Variant type: single nucleotide variant.
Coding change: c.3651A>G on transcript NM_014875.3 (MANE Select); coding-DNA position 3651, A replaced by G.
Protein change: p.Ser1217=; no amino-acid change (serine 1217 retained).
Molecular consequence: synonymous variant.
Genome position (GRCh38, 1-based): chr1:200,569,921, T>C on the plus strand (A>G on the coding strand, the complement: KIF14 is on the minus strand). VCF-style: chr1-200569921-T-C. GRCh37 (hg19) VCF-style: chr1-200539049-T-C.
Other names: c.2178A>G, p.Ser726= (NM_001305792.1).
Identifiers: ClinVar variation 709847 (VCV000709847.40), dbSNP rs150400242, ClinGen allele CA1317199.